The following is an entry in ClinVar:

NM_000548.5(TSC2):c.3825C>T (p.Phe1275=)

Gene: TSC2 (TSC complex subunit 2; plus strand). Cytogenetic location: 16p13.3.
Variant type: single nucleotide variant.
Coding change: c.3825C>T on transcript NM_000548.5 (MANE Select); coding-DNA position 3825, C replaced by T.
Protein change: p.Phe1275=; no amino-acid change (phenylalanine 1275 retained).
Molecular consequence: synonymous variant. On other transcripts: non-coding transcript variant (1), intron variant (33).
Genome position (GRCh38, 1-based): chr16:2,082,446, C>T. VCF-style: chr16-2082446-C-T. GRCh37 (hg19) VCF-style: chr16-2132447-C-T.
Other names: c.3093C>T, p.Phe1031= (NM_001318831.2); c.3693C>T, p.Phe1231= (NM_001370404.1, NM_001406665.1); c.3696C>T, p.Phe1232= (NM_001370405.1, NM_021055.3); c.3822C>T, p.Phe1274= (NM_001406663.1); c.3225C>T, p.Phe1075= (NM_001406680.1); c.2352C>T, p.Phe784= (NM_001406690.1); c.2349C>T, p.Phe783= (NM_001406691.1); c.2341+648C>T (NM_001406693.1, NM_001406692.1, NM_001406694.1); and 25 more.
Identifiers: ClinVar variation 4071212 (VCV004071212.2).
Genomic context (GRCh38, chr16:2,082,446, plus strand): 5'-GTGTAGCCCCTCCTCCTGCTGACGTGGCCGCACACGGCCTTCCCTTGCAGTGGCCTCTTT[C>T]TCCTCCCTGTACCAGTCCAGCTGCCAAGGACAGCTGCACAGGAGCGTTTCCTGGGCAGGT-3'
Protein context (NP_000539.2, residues 1265-1285): PLPRSNTVAS[Phe1275=]SSLYQSSCQG

ClinVar aggregate classification (germline): Conflicting classifications of pathogenicity. Review status: criteria provided, conflicting classifications (1 of 4 stars). 2 submissions from 2 submitters: Uncertain significance (1); Benign (1). Last evaluated 2026-01-29.

Conditions:
Tuberous sclerosis 2 (TSC2). Identifiers: Orphanet 805, MedGen C1860707, MONDO:0013199, OMIM 613254.
Hereditary cancer-predisposing syndrome. Also called: Neoplastic Syndromes, Hereditary; Tumor predisposition; Hereditary neoplastic syndrome; Hereditary Cancer Syndrome. Identifiers: Orphanet 140162, MedGen C0027672, MeSH D009386, MONDO:0015356.

gnomAD v4.1: 1 of 1,612,620 alleles (0.000062%); highest among the groups gnomAD compares: East Asian, 0.0022%; no homozygotes.

Submissions (2):

Ambry Genetics
Classification: Uncertain significance for Hereditary cancer-predisposing syndrome. Last evaluated: 2026-01-29. Review status: criteria provided, single submitter. Criteria: Ambry Variant Classification Scheme 2023. Collection method: clinical testing. Allele origin: germline.
Comment: The c.3825C>T variant (also known as p.F1275F), located in coding exon 31 of the TSC2 gene, results from a C to T substitution at nucleotide position 3825. This nucleotide substitution does not change the phenylalanine at codon 1275. This variant occurs in an exon that is absent in biologically relevant transcripts (Ekong R et al. Hum Mutat, 2016 Apr;37:364-70). In silico splice site analysis for this alteration is inconclusive, and direct evidence is insufficient at this time (Ambry internal data). This nucleotide position is well conserved in available vertebrate species. Based on the available evidence, the clinical significance of this variant remains unclear.

Myriad Genetics, Inc.
Classification: Benign for Tuberous sclerosis 2. Last evaluated: 2025-05-30. Review status: criteria provided, single submitter. Criteria: Myriad Autosomal Dominant, Autosomal Recessive and X-Linked Classification Criteria (2023). Collection method: clinical testing. Allele origin: unknown.
Comment: This variant is considered benign. This variant is a silent/synonymous amino acid change and it is not expected to impact splicing.

Literature cited by the submitters: PubMed 26703369 (cited by Ambry Genetics).